The following is an entry in ClinVar:

NM_001303256.3(MORC2):c.1975C>G (p.Arg659Gly)

Gene: MORC2 (MORC family CW-type zinc finger 2; minus strand). Cytogenetic location: 22q12.2.
Variant type: single nucleotide variant.
Coding change: c.1975C>G on transcript NM_001303256.3 (MANE Select); coding-DNA position 1975, C replaced by G.
Protein change: p.Arg659Gly; replaces arginine 659 with glycine.
Molecular consequence: missense variant.
Genome position (GRCh38, 1-based): chr22:30,934,999, G>C on the plus strand (C>G on the coding strand, the complement: MORC2 is on the minus strand). VCF-style: chr22-30934999-G-C. GRCh37 (hg19) VCF-style: chr22-31330986-G-C.
Other names: c.1975C>G, p.Arg659Gly (NM_001303257.2); c.1789C>G, p.Arg597Gly (NM_014941.3); short protein forms R597G, R659G.
Identifiers: ClinVar variation 4803184 (VCV004803184.1).

ClinVar aggregate classification (germline): Uncertain significance (1 of 4 stars; one submission).

Conditions:
Charcot-Marie-Tooth disease axonal type 2Z. Also called: CHARCOT-MARIE-TOOTH DISEASE, AXONAL, AUTOSOMAL DOMINANT, TYPE 2Z; CHARCOT-MARIE-TOOTH NEUROPATHY, TYPE 2Z. Identifiers: Orphanet 466768, MedGen C5569025, MONDO:0014736, OMIM 616688.

gnomAD v4.1: 3 of 1,613,972 alleles (0.00019%); highest among the groups gnomAD compares: African/African-American, 0.0027%; no homozygotes.

Submission:

Labcorp Genetics (formerly Invitae), Labcorp
Classification: Uncertain significance for Charcot-Marie-Tooth disease axonal type 2Z. Last evaluated: 2025-08-06. Review status: criteria provided, single submitter. Criteria: Invitae Variant Classification Sherloc (09022015). Collection method: clinical testing. Allele origin: germline.
Comment: This sequence change replaces arginine, which is basic and polar, with glycine, which is neutral and non-polar, at codon 659 of the MORC2 protein (p.Arg659Gly). This variant is not present in population databases (gnomAD no frequency). This variant has not been reported in the literature in individuals affected with MORC2-related conditions. An algorithm developed to predict the effect of missense changes on protein structure and function outputs the following: PolyPhen-2: "Benign". The glycine amino acid residue is found in multiple mammalian species, which suggests that this missense change does not adversely affect protein function. In summary, the available evidence is currently insufficient to determine the role of this variant in disease. Therefore, it has been classified as a Variant of Uncertain Significance.